The following is an entry in ClinVar:

ClinVar aggregate classification (germline): Benign/Likely benign. Review status: criteria provided, multiple submitters, no conflicts (2 of 4 stars). 3 submissions from 3 submitters: Benign (1); Likely benign (2). Last evaluated 2026-01-14.

Conditions:
Hereditary cancer-predisposing syndrome. Also called: Hereditary neoplastic syndrome; Tumor predisposition; Hereditary Cancer Syndrome; Neoplastic Syndromes, Hereditary. Identifiers: Orphanet 140162, MedGen C0027672, MeSH D009386, MONDO:0015356.
Familial adenomatous polyposis 1 (FAP1). Also called: FAMILIAL ADENOMATOUS POLYPOSIS 1, ATTENUATED; POLYPOSIS, ADENOMATOUS INTESTINAL. Identifiers: MedGen C2713442, MONDO:0021056, OMIM 175100. Disease mechanism: loss of function.

Submissions (3):

Labcorp Genetics (formerly Invitae), Labcorp
Classification: Likely benign for Familial adenomatous polyposis 1. Last evaluated: 2026-01-14. Review status: criteria provided, single submitter. Criteria: Invitae Variant Classification Sherloc (09022015). Collection method: clinical testing. Allele origin: germline.

Myriad Genetics, Inc.
Classification: Benign for Familial adenomatous polyposis 1. Last evaluated: 2024-04-03. Review status: criteria provided, single submitter. Criteria: Myriad Autosomal Dominant, Autosomal Recessive and X-Linked Classification Criteria (2023). Collection method: clinical testing. Allele origin: unknown.
Comment: This variant is considered benign. This variant is a silent/synonymous amino acid change and it is not expected to impact splicing.

Ambry Genetics
Classification: Likely benign for Hereditary cancer-predisposing syndrome. Last evaluated: 2019-12-06. Review status: criteria provided, single submitter. Criteria: Ambry Variant Classification Scheme 2023. Collection method: clinical testing. Allele origin: germline.

NM_000038.6(APC):c.6186A>G (p.Lys2062=)

Gene: APC (APC regulator of Wnt signaling pathway; plus strand). Cytogenetic location: 5q22.2.
Variant type: single nucleotide variant.
Coding change: c.6186A>G on transcript NM_000038.6 (MANE Select); coding-DNA position 6186, A replaced by G.
Protein change: p.Lys2062=; no amino-acid change (lysine 2062 retained).
Molecular consequence: synonymous variant.
Genome position (GRCh38, 1-based): chr5:112,841,780, A>G. VCF-style: chr5-112841780-A-G. GRCh37 (hg19) VCF-style: chr5-112177477-A-G.
Other names: c.6186A>G, p.Lys2062= (NM_001127510.3, NM_001354895.2); c.6132A>G, p.Lys2044= (NM_001127511.3); c.6240A>G, p.Lys2080= (NM_001354896.2); c.6216A>G, p.Lys2072= (NM_001354897.2); c.6111A>G, p.Lys2037= (NM_001354898.2); c.6102A>G, p.Lys2034= (NM_001354899.2); c.6063A>G, p.Lys2021= (NM_001354900.2); c.6009A>G, p.Lys2003= (NM_001354901.2); and 5 more.
Identifiers: ClinVar variation 725498 (VCV000725498.17), dbSNP rs1064796527, ClinGen allele CA446209411.